The following is an entry in ClinVar:

ClinVar aggregate classification (germline): Uncertain significance (1 of 4 stars; one submission).

Conditions:
CEP290-related disorder. Also called: CEP290-related disorders; CEP290-related condition. Identifiers: MedGen CN239314.

Submission:

PreventionGenetics, part of Exact Sciences
Classification: Uncertain significance for CEP290-related condition. Last evaluated: 2025-04-28. Review status: criteria provided, single submitter. Criteria: ACMG Guidelines, 2015. Collection method: clinical testing. Allele origin: germline.
Comment: The CEP290 c.3698C>T variant is predicted to result in the amino acid substitution p.Ala1233Val. To our knowledge, this variant has not been reported in the literature or in a large population database (gnomAD), indicating this variant is rare. At this time, the clinical significance of this variant is uncertain due to the absence of conclusive functional and genetic evidence.

NM_025114.4(CEP290):c.3698C>T (p.Ala1233Val)

Gene: CEP290 (centrosomal protein 290; minus strand). Cytogenetic location: 12q21.32.
Variant type: single nucleotide variant.
Coding change: c.3698C>T on transcript NM_025114.4 (MANE Select); coding-DNA position 3698, C replaced by T.
Protein change: p.Ala1233Val; replaces alanine 1233 with valine.
Molecular consequence: missense variant.
Genome position (GRCh38, 1-based): chr12:88,089,363, G>A on the plus strand (C>T on the coding strand, the complement: CEP290 is on the minus strand). VCF-style: chr12-88089363-G-A. GRCh37 (hg19) VCF-style: chr12-88483140-G-A.
Other names: short protein forms A1233V.
Identifiers: ClinVar variation 4999837 (VCV004999837.1).
Genomic context (GRCh38, chr12:88,089,363, plus strand): 5'-CGAGCATAATAGAGAGCCTGTTCTTTTTCATCAAGTTTCTGCTCTAAGCGCAAGTTGTAG[G>A]CCTCCATCTTCTGCAGTTTAGATGTAATTGACTCCAACTTACCAAGAGCAGTAGCCTCAC-3'
Protein context (NP_079390.3, residues 1223-1243): SITSKLQKME[Ala1233Val]YNLRLEQKLD